The following is an entry in ClinVar:

ClinVar aggregate classification (germline): Uncertain significance (1 of 4 stars; one submission).

gnomAD v4.1: 1 of 1,614,184 alleles (0.000062%); highest among the groups gnomAD compares: Non-Finnish European, 0.000085%; no homozygotes.

Submission:

Ambry Genetics
Classification: Uncertain significance. Last evaluated: 2024-12-30. Review status: criteria provided, single submitter. Criteria: Ambry Variant Classification Scheme 2023. Collection method: clinical testing. Allele origin: germline.
Comment: The p.M475K variant (also known as c.1424T>A), located in coding exon 1 of the TET2 gene, results from a T to A substitution at nucleotide position 1424. The methionine at codon 475 is replaced by lysine, an amino acid with similar properties. This amino acid position is conserved. In addition, this alteration is predicted to be tolerated by in silico analysis. Based on the available evidence, the clinical significance of this variant remains unclear.

NM_001127208.3(TET2):c.1424T>A (p.Met475Lys)

Genes: TET2 (tet methylcytosine dioxygenase 2; plus strand), TET2-AS1 (TET2 antisense RNA 1; minus strand). Cytogenetic location: 4q24.
Variant type: single nucleotide variant.
Coding change: c.1424T>A on transcript NM_001127208.3 (MANE Select); coding-DNA position 1424, T replaced by A.
Protein change: p.Met475Lys; replaces methionine 475 with lysine.
Molecular consequence: missense variant.
Genome position (GRCh38, 1-based): chr4:105,235,366, T>A. VCF-style: chr4-105235366-T-A. GRCh37 (hg19) VCF-style: chr4-106156523-T-A.
Other names: c.1424T>A, p.Met475Lys (NM_017628.4); short protein forms M475K.
Identifiers: ClinVar variation 3805915 (VCV003805915.1).